The following is an entry in ClinVar:

NM_017433.5(MYO3A):c.3643C>G (p.Gln1215Glu)

Gene: MYO3A (myosin IIIA; plus strand). Cytogenetic location: 10p12.1.
Variant type: single nucleotide variant.
Coding change: c.3643C>G on transcript NM_017433.5 (MANE Select); coding-DNA position 3643, C replaced by G.
Protein change: p.Gln1215Glu; replaces glutamine 1215 with glutamic acid.
Molecular consequence: missense variant.
Genome position (GRCh38, 1-based): chr10:26,173,907, C>G. VCF-style: chr10-26173907-C-G. GRCh37 (hg19) VCF-style: chr10-26462836-C-G.
Other names: short protein forms Q1215E.
Identifiers: ClinVar variation 3253419 (VCV003253419.1), dbSNP rs1842179684.

ClinVar aggregate classification (germline): Uncertain significance (1 of 4 stars; one submission).

Submission:

GeneDx
Classification: Uncertain significance. Last evaluated: 2023-10-12. Review status: criteria provided, single submitter. Criteria: GeneDx Variant Classification Process June 2021. Collection method: clinical testing. Allele origin: germline. Affected: yes.
Comment: Not observed at significant frequency in large population cohorts (gnomAD); In silico analysis supports that this missense variant does not alter protein structure/function; Has not been previously published as pathogenic or benign to our knowledge